The following is an entry in ClinVar:

NM_000718.4(CACNA1B):c.2250G>A (p.Ala750=)

Genes: CACNA1B (calcium voltage-gated channel subunit alpha1 B; plus strand), LOC108254695 (9q34.3 CACNA1B recombination region; plus strand). Cytogenetic location: 9q34.3.
Variant type: single nucleotide variant.
Coding change: c.2250G>A on transcript NM_000718.4 (MANE Select); coding-DNA position 2250, G replaced by A.
Protein change: p.Ala750=; no amino-acid change (alanine 750 retained).
Molecular consequence: synonymous variant.
Genome position (GRCh38, 1-based): chr9:138,013,218, G>A. VCF-style: chr9-138013218-G-A. GRCh37 (hg19) VCF-style: chr9-140907670-G-A.
Other names: c.2250G>A, p.Ala750= (NM_001243812.2).
Identifiers: ClinVar variation 2997993 (VCV002997993.8), dbSNP rs770538950, ClinGen allele CA5376417.

ClinVar aggregate classification (germline): Likely benign. Review status: criteria provided, multiple submitters, no conflicts (2 of 4 stars). 2 submissions from 2 submitters: Likely benign (2). Last evaluated 2025-12-01.

Allele frequency attached by ClinVar (database versions not stated): gnomAD exomes below 0.00001; ExAC 0.00001; TOPMed 0.00002; gnomAD 0.00003.
gnomAD v4.1: 12 of 1,601,142 alleles (0.00075%); highest among the groups gnomAD compares: Admixed American, 0.0034%; no homozygotes.

Submissions (2):

CeGaT Center for Human Genetics Tuebingen
Classification: Likely benign. Last evaluated: 2025-12-01. Review status: criteria provided, single submitter. Criteria: CeGaT Center For Human Genetics Tuebingen Variant Classification Criteria Version 2. Collection method: clinical testing. Allele origin: germline. Affected: yes. Observed: 1 variant allele.
Comment: CACNA1B: BP4, BP7

Labcorp Genetics (formerly Invitae), Labcorp
Classification: Likely benign. Last evaluated: 2023-09-27. Review status: criteria provided, single submitter. Criteria: Invitae Variant Classification Sherloc (09022015). Collection method: clinical testing. Allele origin: germline.